The following is an entry in ClinVar:

NM_173543.3(DZIP1L):c.2040G>A (p.Lys680=)

Gene: DZIP1L (DAZ interacting zinc finger protein 1 like; minus strand). Cytogenetic location: 3q22.3.
Variant type: single nucleotide variant.
Coding change: c.2040G>A on transcript NM_173543.3 (MANE Select); coding-DNA position 2040, G replaced by A.
Protein change: p.Lys680=; no amino-acid change (lysine 680 retained).
Molecular consequence: synonymous variant.
Genome position (GRCh38, 1-based): chr3:138,064,730, C>T on the plus strand (G>A on the coding strand, the complement: DZIP1L is on the minus strand). VCF-style: chr3-138064730-C-T. GRCh37 (hg19) VCF-style: chr3-137783572-C-T.
Identifiers: ClinVar variation 3048613 (VCV003048613.2), dbSNP rs547254982, ClinGen allele CA2634686.
Genomic context (GRCh38, chr3:138,064,730, plus strand): 5'-ATTGGGCATAAAAAACAGACTGACCCCTCCAGCAGGCTTCTTTGCTGGAGCTTCTAGCTG[C>T]TTCTCCAGGTTTTTGACCATCGACTGCACCAGTGTTCCTGGAAGGTGAAAAAGTGGCTGT-3'
Protein context (NP_775814.2, residues 670-690): LVQSMVKNLE[Lys680=]QLEAPAKKPA

ClinVar aggregate classification (germline): Likely benign (0 of 4 stars; one submission).

Conditions:
DZIP1L-related disorder. Also called: DZIP1L-related condition.

Allele frequency attached by ClinVar (database versions not stated): TOPMed below 0.00001; gnomAD 0.00001; gnomAD exomes 0.00003; ExAC 0.00010; 1000 Genomes Project 0.00020; 1000 Genomes Project 30x 0.00047.
gnomAD v4.1: 44 of 1,603,146 alleles (0.0027%); highest among the groups gnomAD compares: South Asian, 0.047%; no homozygotes.

Submission:

PreventionGenetics, part of Exact Sciences
Classification: Likely benign for DZIP1L-related condition. Last evaluated: 2019-11-16. Review status: no assertion criteria provided. Collection method: clinical testing. Allele origin: germline.
Comment: This variant is classified as likely benign based on ACMG/AMP sequence variant interpretation guidelines (Richards et al. 2015 PMID: 25741868, with internal and published modifications).